The following is an entry in ClinVar:

NM_012144.4(DNAI1):c.1011_1012dup (p.Leu338fs)

Gene: DNAI1 (dynein axonemal intermediate chain 1; plus strand). Cytogenetic location: 9p13.3.
Variant type: Duplication.
Coding change: c.1011_1012dup on transcript NM_012144.4 (MANE Select); coding-DNA positions 1011 to 1012, 2 bases duplicated (CC; older notation c.1011_1012dupCC).
Protein change: p.Leu338fs; shifts the reading frame from leucine 338.
Molecular consequence: frameshift variant.
Genome position (GRCh38, 1-based): chr9:34,500,831-34,500,832, CC duplicated; duplicating any 2 consecutive bases within chr9:34,500,830-34,500,832 gives the same sequence; the c. name uses the placement nearest the transcript's 3' end. VCF-style (leftmost placement, unchanged base first): chr9-34500829-G-GCC. GRCh37 (hg19) VCF-style: chr9-34500827-G-GCC.
Other names: c.1023_1024dup, p.Leu342fs (NM_001281428.2); short protein forms L338fs, L342fs.
Identifiers: ClinVar variation 3597256 (VCV003597256.2).

ClinVar aggregate classification (germline): Pathogenic/Likely pathogenic. Review status: criteria provided, multiple submitters, no conflicts (2 of 4 stars). 2 submissions from 2 submitters: Pathogenic (1); Likely pathogenic (1). Last evaluated 2024-05-14.

Conditions:
Kartagener syndrome (CILD1). Also called: Dextrocardia bronchiectasis and sinusitis; CILIARY DYSKINESIA, PRIMARY, 1; CILIARY DYSKINESIA, PRIMARY, 1, WITH OR WITHOUT SITUS INVERSUS; IMMOTILE CILIA SYNDROME; POLYNESIAN BRONCHIECTASIS; SIEWERT SYNDROME. Identifiers: Orphanet 244, MedGen C4551906, MONDO:0009484, OMIM 244400.

Submissions (2):

Myriad Genetics, Inc.
Classification: Pathogenic for Kartagener syndrome. Last evaluated: 2024-05-14. Review status: criteria provided, single submitter. Criteria: Myriad Autosomal Dominant, Autosomal Recessive and X-Linked Classification Criteria (2023). Collection method: clinical testing. Allele origin: unknown.
Comment: NM_012144.2(DNAI1):c.1011_1012dupCC(L338Pfs*22) is expected to be pathogenic in the context of primary ciliary dyskinesia, DNAI1-related. This variant is predicted to lead to an abnormal or absent protein product due to the creation of a premature termination codon in DNAI1, a gene where loss-of-function variants are known to be pathogenic. Please note: this variant was assessed in the context of healthy population screening.

Fulgent Genetics
Classification: Likely pathogenic for Kartagener syndrome. Last evaluated: 2024-03-06. Review status: criteria provided, single submitter. Criteria: ACMG Guidelines, 2015. Collection method: clinical testing. Allele origin: germline.